The following is an entry in ClinVar:

NM_002225.3(IVD):c.888del

Gene: IVD (isovaleryl-CoA dehydrogenase; plus strand). Cytogenetic location: 15q15.1.
Variant type: Deletion.
Coding change: c.888del on transcript NM_002225.3; coding-DNA position 888, one base deleted (G; older notation c.888delG).
Genome position (GRCh38, 1-based): chr15:40,415,401, G deleted; the last of 2 consecutive G bases (chr15:40,415,400-40,415,401); deleting either gives the same sequence. VCF-style (leftmost placement, unchanged base first): chr15-40415399-AG-A. GRCh37 (hg19) VCF-style: chr15-40707598-AG-A.
Identifiers: ClinVar variation 4815006 (VCV004815006.1).

ClinVar aggregate classification (germline): Likely pathogenic (1 of 4 stars; one submission).

Conditions:
Isovaleryl-CoA dehydrogenase deficiency (IVA). Also called: ISOVALERIC ACID CoA DEHYDROGENASE DEFICIENCY; Isovaleric acidemia; IVD DEFICIENCY; Classic Isovaleric Acidemia. Identifiers: Orphanet 33, MedGen C0268575, MONDO:0009475, OMIM 243500.

Submission:

Natera, Inc.
Classification: Likely pathogenic for Isovaleryl-coa dehydrogenase deficiency. Last evaluated: 2025-03-26. Review status: criteria provided, single submitter. Criteria: Natera Variant Classification Schema (03/2026). Collection method: clinical testing. Allele origin: germline.
Comment: The c.888del variant in IVD is a frameshift variant predicted to shift the reading frame beginning at codon 297 and leads to a stop codon 15 codons downstream. This variant is expected to result in nonsense mediated decay, truncation, or a dysfunctional protein product. This variant is rare in the general population with a frequency below the threshold expected for the associated phenotype(s). Given the available evidence, this variant is classified as Likely Pathogenic.